The following is an entry in ClinVar:

NM_138420.4(AHNAK2):c.6631A>G (p.Lys2211Glu)

Gene: AHNAK2 (AHNAK nucleoprotein 2; minus strand). Cytogenetic location: 14q32.33.
Variant type: single nucleotide variant.
Coding change: c.6631A>G on transcript NM_138420.4 (MANE Select); coding-DNA position 6631, A replaced by G.
Protein change: p.Lys2211Glu; replaces lysine 2211 with glutamic acid.
Molecular consequence: missense variant.
Genome position (GRCh38, 1-based): chr14:104,948,820, T>C on the plus strand (A>G on the coding strand, the complement: AHNAK2 is on the minus strand). VCF-style: chr14-104948820-T-C. GRCh37 (hg19) VCF-style: chr14-105415157-T-C.
Other names: c.6331A>G, p.Lys2111Glu (NM_001350929.2); short protein forms K2211E, K2111E.
Identifiers: ClinVar variation 3511024 (VCV003511024.5).

ClinVar aggregate classification (germline): Likely benign. Review status: criteria provided, multiple submitters, no conflicts (2 of 4 stars). 2 submissions from 2 submitters: Likely benign (2). Last evaluated 2026-01-01.

Submissions (2):

CeGaT Center for Human Genetics Tuebingen
Classification: Likely benign. Last evaluated: 2026-01-01. Review status: criteria provided, single submitter. Criteria: CeGaT Center For Human Genetics Tuebingen Variant Classification Criteria Version 2. Collection method: clinical testing. Allele origin: germline. Affected: yes. Observed: 1 variant allele.
Comment: AHNAK2: BP4

Ambry Genetics
Classification: Likely benign. Last evaluated: 2024-11-20. Review status: criteria provided, single submitter. Criteria: Ambry Variant Classification Scheme 2023. Collection method: clinical testing. Allele origin: germline.